The following is an entry in ClinVar:

ClinVar aggregate classification (germline): Uncertain significance (1 of 4 stars; one submission).

Conditions:
Early-onset Parkinson disease 20. Also called: PARKINSON DISEASE 20, AUTOSOMAL RECESSIVE EARLY-ONSET. Identifiers: Orphanet 391411, MedGen C3809824, MONDO:0014233, OMIM 615530.
Developmental and epileptic encephalopathy, 53. Also called: Epileptic encephalopathy, early infantile, 53. Identifiers: MedGen C4479313, MONDO:0033362, OMIM 617389.

Submission:

Labcorp Genetics (formerly Invitae), Labcorp
Classification: Uncertain significance for Developmental and epileptic encephalopathy, 53; Early-onset Parkinson disease 20. Last evaluated: 2023-10-13. Review status: criteria provided, single submitter. Criteria: Invitae Variant Classification Sherloc (09022015). Collection method: clinical testing. Allele origin: germline.
Comment: This sequence change replaces proline, which is neutral and non-polar, with serine, which is neutral and polar, at codon 1305 of the SYNJ1 protein (p.Pro1305Ser). This variant is not present in population databases (gnomAD no frequency). This variant has not been reported in the literature in individuals affected with SYNJ1-related conditions. ClinVar contains an entry for this variant (Variation ID: 1016247). Advanced modeling of protein sequence and biophysical properties (such as structural, functional, and spatial information, amino acid conservation, physicochemical variation, residue mobility, and thermodynamic stability) performed at Invitae indicates that this missense variant is not expected to disrupt SYNJ1 protein function. In summary, the available evidence is currently insufficient to determine the role of this variant in disease. Therefore, it has been classified as a Variant of Uncertain Significance.

NM_203446.3(SYNJ1):c.3796C>T (p.Pro1266Ser)

Gene: SYNJ1 (synaptojanin 1; minus strand). Cytogenetic location: 21q22.11.
Variant type: single nucleotide variant.
Coding change: c.3796C>T on transcript NM_203446.3 (MANE Select); coding-DNA position 3796, C replaced by T.
Protein change: p.Pro1266Ser; replaces proline 1266 with serine.
Molecular consequence: missense variant.
Genome position (GRCh38, 1-based): chr21:32,639,027, G>A on the plus strand (C>T on the coding strand, the complement: SYNJ1 is on the minus strand). VCF-style: chr21-32639027-G-A. GRCh37 (hg19) VCF-style: chr21-34011337-G-A.
Other names: c.3748C>T, p.Pro1250Ser (NM_001160302.2); c.3655C>T, p.Pro1219Ser (NM_001160306.2); c.3913C>T, p.Pro1305Ser (NM_003895.4); short protein forms P1219S, P1250S, P1266S, P1305S.
Identifiers: ClinVar variation 1016247 (VCV001016247.9), dbSNP rs2039706224, ClinGen allele CA410086951.